The following is an entry in ClinVar:

NM_032776.3(JMJD1C):c.4G>A (p.Ala2Thr)

Genes: JMJD1C (jumonji domain containing 1C; minus strand), JMJD1C-AS1 (JMJD1C antisense RNA 1; plus strand). Cytogenetic location: 10q21.3.
Variant type: single nucleotide variant.
Coding change: c.4G>A on transcript NM_032776.3 (MANE Select); coding-DNA position 4, G replaced by A.
Protein change: p.Ala2Thr; replaces alanine 2 with threonine.
Molecular consequence: missense variant. On other transcripts: non-coding transcript variant (1), intron variant (2).
Genome position (GRCh38, 1-based): chr10:63,465,659, C>T on the plus strand (G>A on the coding strand, the complement: JMJD1C is on the minus strand). VCF-style: chr10-63465659-C-T. GRCh37 (hg19) VCF-style: chr10-65225419-C-T.
Other names: c.4G>A, p.Ala2Thr (NM_001322252.2); c.-384+56079G>A (NM_001322258.2); c.-379+56079G>A (NM_001318154.2); c.4G>A (NM_032776.1); short protein forms A2T.
Identifiers: ClinVar variation 851386 (VCV000851386.9), dbSNP rs373355754, ClinGen allele CA5519251.
Genomic context (GRCh38, chr10:63,465,659, plus strand): 5'-CGTCGCCGACCGCCACACACAGGAACCGCTTACCCACCAGCTCTGCCCGCGTCTCTACCG[C>T]CATAGCTGTCGCTGCCGAAGCGGCCGCTGCCTCCTCCAGTGCGAGGGAACCGATGAAACC-3'
Protein context (NP_116165.1, residues 1-12): M[Ala2Thr]VETRAELVGK

ClinVar aggregate classification (germline): Uncertain significance. Review status: criteria provided, multiple submitters, no conflicts (2 of 4 stars). 2 submissions from 2 submitters: Uncertain significance (2). Last evaluated 2025-07-14.

Conditions:
Early Myoclonic Encephalopathy. Identifiers: MedGen C0270855.

Allele frequency attached by ClinVar (database versions not stated): ESP Exome Variant Server 0.00008; ExAC 0.00002; gnomAD exomes 0.00001; gnomAD 0.00002; TOPMed 0.00002.
gnomAD v4.1: 8 of 1,608,594 alleles (0.0005%); highest among the groups gnomAD compares: African/African-American, 0.0093%; no homozygotes.

Submissions (2):

Labcorp Genetics (formerly Invitae), Labcorp
Classification: Uncertain significance for Early Myoclonic Encephalopathy. Last evaluated: 2025-07-14. Review status: criteria provided, single submitter. Criteria: Invitae Variant Classification Sherloc (09022015). Collection method: clinical testing. Allele origin: germline.
Comment: This sequence change replaces alanine, which is neutral and non-polar, with threonine, which is neutral and polar, at codon 2 of the JMJD1C protein (p.Ala2Thr). This variant is present in population databases (rs373355754, gnomAD 0.01%). This variant has not been reported in the literature in individuals affected with JMJD1C-related conditions. ClinVar contains an entry for this variant (Variation ID: 851386). An algorithm developed to predict the effect of missense changes on protein structure and function (PolyPhen-2) suggests that this variant is likely to be tolerated. In summary, the available evidence is currently insufficient to determine the role of this variant in disease. Therefore, it has been classified as a Variant of Uncertain Significance.

Ambry Genetics
Classification: Uncertain significance. Last evaluated: 2025-04-11. Review status: criteria provided, single submitter. Criteria: Ambry Variant Classification Scheme 2023. Collection method: clinical testing. Allele origin: germline.